The following is an entry in ClinVar:

ClinVar aggregate classification (germline): Likely benign. Review status: criteria provided, multiple submitters, no conflicts (2 of 4 stars). 4 submissions from 4 submitters: Likely benign (4). Last evaluated 2025-10-20.

Conditions:
Marfan syndrome (MFS). Also called: MARFAN SYNDROME, TYPE I; FBN1-Related Marfan Syndrome; Marfan syndrome type 1; Marfan's syndrome; Marfan syndrome, classic. Identifiers: Orphanet 284963, Orphanet 558, MedGen C0024796, MONDO:0007947, OMIM 154700.
Familial thoracic aortic aneurysm and aortic dissection (TAAD). Also called: Thoracic aortic aneurysms and dissections. Identifiers: Orphanet 91387, MedGen C4707243, MONDO:0019625.

Allele frequency attached by ClinVar (database versions not stated): gnomAD exomes 0.00001 and 0.00003; ExAC 0.00006; gnomAD 0.00001; TOPMed 0.00001.
gnomAD v4.1: 18 of 1,613,828 alleles (0.0011%); highest among the groups gnomAD compares: South Asian, 0.0055%; no homozygotes.

Submissions (4):

Labcorp Genetics (formerly Invitae), Labcorp
Classification: Likely benign for Marfan syndrome; Familial thoracic aortic aneurysm and aortic dissection. Last evaluated: 2025-10-20. Review status: criteria provided, single submitter. Criteria: Invitae Variant Classification Sherloc (09022015). Collection method: clinical testing. Allele origin: germline.

All of Us Research Program, National Institutes of Health
Classification: Likely benign for Marfan syndrome. Last evaluated: 2023-09-05. Review status: criteria provided, single submitter. Criteria: ACMG Guidelines, 2015. Collection method: clinical testing. Allele origin: germline. Inheritance: Autosomal dominant inheritance. Observed: 4 variant alleles, 4 heterozygotes.
Comment: This study involves interpretation of variants in research participants for the purpose of population health screening. Participant phenotype was not available at the time of variant classification. Additional details can be found in publication PMID: 35346344, PMCID: PMC8962531

Color Diagnostics, LLC DBA Color Health
Classification: Likely benign for Familial thoracic aortic aneurysm and aortic dissection. Last evaluated: 2022-11-06. Review status: criteria provided, single submitter. Criteria: ACMG Guidelines, 2015. Collection method: clinical testing. Allele origin: germline.

Ambry Genetics
Classification: Likely benign for Familial thoracic aortic aneurysm and aortic dissection. Last evaluated: 2021-08-31. Review status: criteria provided, single submitter. Criteria: Ambry Variant Classification Scheme 2023. Collection method: clinical testing. Allele origin: germline.

NM_000138.5(FBN1):c.1494C>T (p.Pro498=)

Gene: FBN1 (fibrillin 1; minus strand). Cytogenetic location: 15q21.1.
Variant type: single nucleotide variant.
Coding change: c.1494C>T on transcript NM_000138.5 (MANE Select); coding-DNA position 1494, C replaced by T.
Protein change: p.Pro498=; no amino-acid change (proline 498 retained).
Molecular consequence: synonymous variant.
Genome position (GRCh38, 1-based): chr15:48,513,643, G>A on the plus strand (C>T on the coding strand, the complement: FBN1 is on the minus strand). VCF-style: chr15-48513643-G-A. GRCh37 (hg19) VCF-style: chr15-48805840-G-A.
Identifiers: ClinVar variation 696461 (VCV000696461.14), dbSNP rs765595961, ClinGen allele CA044871.